The following is an entry in ClinVar:

ClinVar aggregate classification (germline): Uncertain significance (1 of 4 stars; one submission).

gnomAD v4.1: 1 of 1,613,910 alleles (0.000062%); highest among the groups gnomAD compares: Admixed American, 0.0017%; no homozygotes.

Submission:

GeneDx
Classification: Uncertain significance. Last evaluated: 2025-08-13. Review status: criteria provided, single submitter. Criteria: GeneDx Variant Classification Process June 2021. Collection method: clinical testing. Allele origin: germline. Affected: yes.
Comment: Not observed at significant frequency in large population cohorts (gnomAD); In silico analysis suggests that this missense variant does not alter protein structure/function; Has not been previously published as pathogenic or benign to our knowledge

NM_000384.3(APOB):c.10036A>G (p.Ser3346Gly)

Gene: APOB (apolipoprotein B; minus strand). Cytogenetic location: 2p24.1.
Variant type: single nucleotide variant.
Coding change: c.10036A>G on transcript NM_000384.3 (MANE Select); coding-DNA position 10036, A replaced by G.
Protein change: p.Ser3346Gly; replaces serine 3346 with glycine.
Molecular consequence: missense variant.
Genome position (GRCh38, 1-based): chr2:21,006,832, T>C on the plus strand (A>G on the coding strand, the complement: APOB is on the minus strand). VCF-style: chr2-21006832-T-C. GRCh37 (hg19) VCF-style: chr2-21229704-T-C.
Other names: short protein forms S3346G.
Identifiers: ClinVar variation 4795266 (VCV004795266.1).